The following is an entry in ClinVar:

NM_002890.3(RASA1):c.333T>G (p.Ser111Arg)

Gene: RASA1 (RAS p21 protein activator 1; plus strand). Cytogenetic location: 5q14.3.
Variant type: single nucleotide variant.
Coding change: c.333T>G on transcript NM_002890.3 (MANE Select); coding-DNA position 333, T replaced by G.
Protein change: p.Ser111Arg; replaces serine 111 with arginine.
Molecular consequence: missense variant.
Genome position (GRCh38, 1-based): chr5:87,268,784, T>G. VCF-style: chr5-87268784-T-G. GRCh37 (hg19) VCF-style: chr5-86564601-T-G.
Other names: short protein forms S111R.
Identifiers: ClinVar variation 3611005 (VCV003611005.2).

ClinVar aggregate classification (germline): Uncertain significance (1 of 4 stars; one submission).

Conditions:
Capillary malformation-arteriovenous malformation syndrome. Also called: Capillary malformation-arteriovenous malformation. Identifiers: Orphanet 137667, MedGen C1842180, MONDO:0012016.

Submission:

Labcorp Genetics (formerly Invitae), Labcorp
Classification: Uncertain significance for Capillary malformation-arteriovenous malformation syndrome. Last evaluated: 2025-08-13. Review status: criteria provided, single submitter. Criteria: Invitae Variant Classification Sherloc (09022015). Collection method: clinical testing. Allele origin: germline.
Comment: This sequence change replaces serine, which is neutral and polar, with arginine, which is basic and polar, at codon 111 of the RASA1 protein (p.Ser111Arg). This variant is not present in population databases (gnomAD no frequency). This variant has not been reported in the literature in individuals affected with RASA1-related conditions. ClinVar contains an entry for this variant (Variation ID: 3611005). An algorithm developed to predict the effect of missense changes on protein structure and function (PolyPhen-2) suggests that this variant is likely to be tolerated. In summary, the available evidence is currently insufficient to determine the role of this variant in disease. Therefore, it has been classified as a Variant of Uncertain Significance.